The following is an entry in ClinVar:

ClinVar aggregate classification (germline): not provided (0 of 4 stars; one submission).

Allele frequency attached by ClinVar (database versions not stated): gnomAD exomes below 0.00001 and 0.00001; ExAC 0.00002.
gnomAD v4.1: 1 of 1,602,112 alleles (0.000062%); highest among the groups gnomAD compares: East Asian, 0.0022%; no homozygotes.

Submission:

ITMI
No classification provided. Condition: AllHighlyPenetrant. Last evaluated: 2013-09-19. Review status: no classification provided. Collection method: reference population. Allele origin: germline.
Comment: Please see associated publication for description of ethnicities

Literature cited by the submitters: PubMed 24728327.

NM_001405607.1(PBRM1):c.736C>A (p.His246Asn)

Gene: PBRM1 (polybromo 1; minus strand). Cytogenetic location: 3p21.1.
Variant type: single nucleotide variant.
Coding change: c.736C>A on transcript NM_001405607.1 (MANE Select); coding-DNA position 736, C replaced by A.
Protein change: p.His246Asn; replaces histidine 246 with asparagine.
Molecular consequence: missense variant. On other transcripts: 5 prime UTR variant (4), non-coding transcript variant (2), intron variant (3).
Genome position (GRCh38, 1-based): chr3:52,648,421, G>T on the plus strand (C>A on the coding strand, the complement: PBRM1 is on the minus strand). VCF-style: chr3-52648421-G-T. GRCh37 (hg19) VCF-style: chr3-52682437-G-T.
Other names: c.799C>A, p.His267Asn (NM_001350074.2, NM_001350076.2, NM_001350078.2 and 10 more transcripts); c.736C>A, p.His246Asn (NM_001350075.2, NM_001394867.1, NM_001394868.1 and 92 more transcripts); c.790C>A, p.His264Asn (NM_001350077.2, NM_001366073.2, NM_001366076.2 and 4 more transcripts); c.787C>A, p.His263Asn (NM_001366074.2); c.730C>A, p.His244Asn (NM_001405552.1); c.763C>A, p.His255Asn (NM_001405564.1, NM_001405568.1, NM_001405569.1 and 4 more transcripts); c.-1247C>A (NM_001405566.1, NM_001405596.1); c.550C>A, p.His184Asn (NM_001405573.1); and 8 more; short protein forms H246N, H267N, H263N, H264N, H184N, H198N, H207N, H223N.
Identifiers: ClinVar variation 135011 (VCV000135011.1), dbSNP rs587778593, ClinGen allele CA161388.
Genomic context (GRCh38, chr3:52,648,421, plus strand): 5'-CAGGCTCATTATAAGTTTTGGCATTTTTTGCGAGGAGATCTATATCTTTGGCCATTGCAT[G>T]AATACTTTTGTAGCTTCCATTCTACAATAAACAACAAAATATAGCAGTTCCTTTTAATGA-3'
Protein context (NP_001392536.1, residues 236-256): RIQNGSYKSI[His246Asn]AMAKDIDLLA